The following is an entry in ClinVar:

ClinVar aggregate classification (germline): Uncertain significance. Review status: criteria provided, single submitter (1 of 4 stars). 2 submissions from 2 submitters: Uncertain significance (1). 1 of the submissions does not count toward it. Last evaluated 2021-09-05.

Conditions:
Glycogen storage disease type III (GSD3). Also called: FORBES DISEASE; Cori disease. Identifiers: Orphanet 366, MedGen C0017922, MONDO:0009291, OMIM 232400.

Allele frequency attached by ClinVar (database versions not stated): gnomAD exomes below 0.00001 and 0.00001; ExAC 0.00002.
gnomAD v4.1: 4 of 1,613,540 alleles (0.00025%); highest among the groups gnomAD compares: South Asian, 0.0033%; no homozygotes.

Submissions (2):

Labcorp Genetics (formerly Invitae), Labcorp
Classification: Uncertain significance for Glycogen storage disease type III. Last evaluated: 2021-09-05. Review status: criteria provided, single submitter. Criteria: Invitae Variant Classification Sherloc (09022015). Collection method: clinical testing. Allele origin: germline.
Comment: This sequence change replaces glycine with cysteine at codon 89 of the AGL protein (p.Gly89Cys). The glycine residue is highly conserved and there is a large physicochemical difference between glycine and cysteine. This variant is present in population databases (rs778448781, ExAC 0.01%). This variant has not been reported in the literature in individuals affected with AGL-related conditions. Algorithms developed to predict the effect of missense changes on protein structure and function are either unavailable or do not agree on the potential impact of this missense change (SIFT: "Deleterious"; PolyPhen-2: "Probably Damaging"; Align-GVGD: "Class C0"). Algorithms developed to predict the effect of sequence changes on RNA splicing suggest that this variant is not likely to affect RNA splicing. In summary, the available evidence is currently insufficient to determine the role of this variant in disease. Therefore, it has been classified as a Variant of Uncertain Significance.

Natera, Inc.
Classification: Uncertain significance for Glycogen storage disease type III. Last evaluated: 2020-02-26. Review status: no assertion criteria provided. Collection method: clinical testing. Allele origin: germline. Not counted in ClinVar's aggregate classification.

NM_000642.3(AGL):c.265G>T (p.Gly89Cys)

Gene: AGL (amylo-alpha-1,6-glucosidase and 4-alpha-glucanotransferase; plus strand). Cytogenetic location: 1p21.2.
Variant type: single nucleotide variant.
Coding change: c.265G>T on transcript NM_000642.3 (MANE Select); coding-DNA position 265, G replaced by T.
Protein change: p.Gly89Cys; replaces glycine 89 with cysteine.
Molecular consequence: missense variant.
Genome position (GRCh38, 1-based): chr1:99,861,685, G>T. VCF-style: chr1-99861685-G-T. GRCh37 (hg19) VCF-style: chr1-100327241-G-T.
Other names: c.265G>T, p.Gly89Cys (NM_000028.3, NM_000643.3, NM_000644.3 and 5 more transcripts); c.217G>T, p.Gly73Cys (NM_000646.3); short protein forms G73C, G89C.
Identifiers: ClinVar variation 968231 (VCV000968231.8), dbSNP rs778448781, ClinGen allele CA966101.